The following is an entry in ClinVar:

ClinVar aggregate classification (germline): Uncertain significance (1 of 4 stars; one submission).

Conditions:
Hereditary cancer-predisposing syndrome. Also called: Hereditary Cancer Syndrome; Neoplastic Syndromes, Hereditary; Tumor predisposition; Hereditary neoplastic syndrome. Identifiers: Orphanet 140162, MedGen C0027672, MeSH D009386, MONDO:0015356.

gnomAD v4.1: 1 of 1,614,216 alleles (0.000062%); highest among the groups gnomAD compares: Non-Finnish European, 0.000085%; no homozygotes.

Submission:

Ambry Genetics
Classification: Uncertain significance for Hereditary cancer-predisposing syndrome. Last evaluated: 2022-03-01. Review status: criteria provided, single submitter. Criteria: Ambry Variant Classification Scheme 2023. Collection method: clinical testing. Allele origin: germline.
Comment: The p.C176F variant (also known as c.527G>T), located in coding exon 3 of the XRCC2 gene, results from a G to T substitution at nucleotide position 527. The cysteine at codon 176 is replaced by phenylalanine, an amino acid with highly dissimilar properties. This amino acid position is conserved. In addition, this alteration is predicted to be deleterious by in silico analysis. Since supporting evidence is limited at this time, the clinical significance of this alteration remains unclear.

NM_005431.2(XRCC2):c.527G>T (p.Cys176Phe)

Gene: XRCC2 (X-ray repair cross complementing 2; minus strand). Cytogenetic location: 7q36.1.
Variant type: single nucleotide variant.
Coding change: c.527G>T on transcript NM_005431.2 (MANE Select); coding-DNA position 527, G replaced by T.
Protein change: p.Cys176Phe; replaces cysteine 176 with phenylalanine.
Molecular consequence: missense variant.
Genome position (GRCh38, 1-based): chr7:152,648,958, C>A on the plus strand (G>T on the coding strand, the complement: XRCC2 is on the minus strand). VCF-style: chr7-152648958-C-A. GRCh37 (hg19) VCF-style: chr7-152346043-C-A.
Other names: short protein forms C176F.
Identifiers: ClinVar variation 1746555 (VCV001746555.2), dbSNP rs753169131, ClinGen allele CA4582335.